The following is an entry in ClinVar:

ClinVar aggregate classification (germline): Benign/Likely benign. Review status: criteria provided, multiple submitters, no conflicts (2 of 4 stars). 8 submissions from 8 submitters: Benign (5); Likely benign (1). 2 of the submissions do not count toward it. Last evaluated 2026-02-02.

Conditions:
Microcephalic osteodysplastic primordial dwarfism type II (MOPD2). Also called: MOPD II; OSTEODYSPLASTIC PRIMORDIAL DWARFISM, TYPE II; Microcephalic osteodysplastic primordial dwarfism with tooth abnormalities. Identifiers: Orphanet 2637, MedGen C0432246, MONDO:0008872, OMIM 210720.

Allele frequency attached by ClinVar (database versions not stated): 1000 Genomes Project 0.02117; 1000 Genomes Project 30x 0.02202; gnomAD 0.03350 and 0.03401; ExAC 0.03608; gnomAD exomes 0.03687 and 0.04098; TOPMed 0.03727; ESP Exome Variant Server 0.04306.
gnomAD v4.1: 65,323 of 1,614,058 alleles (4%); highest among the groups gnomAD compares: Middle Eastern, 8.3%; 1,744 homozygotes.

Submissions (8):

Labcorp Genetics (formerly Invitae), Labcorp
Classification: Benign. Last evaluated: 2026-02-02. Review status: criteria provided, single submitter. Criteria: Invitae Variant Classification Sherloc (09022015). Collection method: clinical testing. Allele origin: germline.

Blueprint Genetics
Classification: Likely benign. Last evaluated: 2024-11-28. Review status: criteria provided, single submitter. Criteria: ACMG Guidelines, 2015. Collection method: clinical testing. Allele origin: germline.

Illumina Laboratory Services, Illumina
Classification: Benign for Microcephalic osteodysplastic primordial dwarfism type II. Last evaluated: 2018-01-13. Review status: criteria provided, single submitter. Criteria: ICSL Variant Classification Criteria 13 December 2019. Collection method: clinical testing. Allele origin: germline.
Comment: This variant was observed in the ICSL laboratory as part of a predisposition screen in an ostensibly healthy population. It had not been previously curated by ICSL or reported in the Human Gene Mutation Database (HGMD: prior to June 1st, 2018), and was therefore a candidate for classification through an automated scoring system. Utilizing variant allele frequency, disease prevalence and penetrance estimates, and inheritance mode, an automated score was calculated to assess if this variant is too frequent to cause the disease. Based on the score and internal cut-off values, a variant classified as benign is not then subjected to further curation. The score for this variant resulted in a classification of benign for this disease.

GeneDx
Classification: Benign. Last evaluated: 2015-03-03. Review status: criteria provided, single submitter. Criteria: GeneDx Variant Classification Process June 2021. Collection method: clinical testing. Allele origin: germline. Affected: yes.

Genetic Services Laboratory, University of Chicago
Classification: Benign. Last evaluated: 2013-02-08. Review status: criteria provided, single submitter. Criteria: ACMG Guidelines, 2007. Collection method: clinical testing. Allele origin: germline. Inheritance: Autosomal recessive inheritance.

Breakthrough Genomics
Classification: Benign. Review status: criteria provided, single submitter. Criteria: ACMG Guidelines, 2015. Collection method: not provided. Allele origin: germline. Inheritance: Autosomal recessive inheritance. Affected: yes.

Clinical Genetics DNA and cytogenetics Diagnostics Lab, Erasmus MC, Erasmus Medical Center
Classification: Benign. Review status: no assertion criteria provided. Collection method: clinical testing. Allele origin: germline. Affected: yes. Study: VKGL Data-share Consensus. Not counted in ClinVar's aggregate classification.

Laboratory of Diagnostic Genome Analysis, Leiden University Medical Center (LUMC)
Classification: Likely benign. Review status: no assertion criteria provided. Collection method: clinical testing. Allele origin: germline. Affected: yes. Study: VKGL Data-share Consensus. Not counted in ClinVar's aggregate classification.

NM_006031.6(PCNT):c.6571T>C (p.Ser2191Pro)

Gene: PCNT (pericentrin; plus strand). Cytogenetic location: 21q22.3.
Variant type: single nucleotide variant.
Coding change: c.6571T>C on transcript NM_006031.6 (MANE Select); coding-DNA position 6571, T replaced by C.
Protein change: p.Ser2191Pro; replaces serine 2191 with proline.
Molecular consequence: missense variant.
Genome position (GRCh38, 1-based): chr21:46,416,489, T>C. VCF-style: chr21-46416489-T-C. GRCh37 (hg19) VCF-style: chr21-47836403-T-C.
Other names: c.6217T>C, p.Ser2073Pro (NM_001315529.2); short protein forms S2191P, S2073P.
Identifiers: ClinVar variation 159634 (VCV000159634.23), dbSNP rs34151633, ClinGen allele CA173051.